The following is an entry in ClinVar:

ClinVar aggregate classification (germline): Uncertain significance (1 of 4 stars; one submission).

Submission:

Labcorp Genetics (formerly Invitae), Labcorp
Classification: Uncertain significance. Last evaluated: 2021-02-23. Review status: criteria provided, single submitter. Criteria: Invitae Variant Classification Sherloc (09022015). Collection method: clinical testing. Allele origin: germline.
Comment: In summary, the available evidence is currently insufficient to determine the role of this variant in disease. Therefore, it has been classified as a Variant of Uncertain Significance. Nucleotide substitutions within the consensus splice site are a relatively common cause of aberrant splicing (PMID: 17576681, 9536098). Algorithms developed to predict the effect of sequence changes on RNA splicing suggest that this variant is not likely to affect RNA splicing, but this prediction has not been confirmed by published transcriptional studies. This variant has not been reported in the literature in individuals with CACNA1D-related conditions. This variant is not present in population databases (ExAC no frequency). This sequence change falls in intron 41 of the CACNA1D gene. It does not directly change the encoded amino acid sequence of the CACNA1D protein. It affects a nucleotide within the consensus splice site of the intron.

Literature cited by the submitters: PubMed 17576681; PubMed 9536098.

NM_001128840.3(CACNA1D):c.4923+5A>C

Gene: CACNA1D (calcium voltage-gated channel subunit alpha1 D; plus strand). Cytogenetic location: 3p21.1.
Variant type: single nucleotide variant.
Coding change: c.4923+5A>C on transcript NM_001128840.3 (MANE Select); 5 bases into the intron after coding-DNA position 4923, A replaced by C.
Molecular consequence: intron variant.
Genome position (GRCh38, 1-based): chr3:53,786,957, A>C. VCF-style: chr3-53786957-A-C. GRCh37 (hg19) VCF-style: chr3-53820984-A-C.
Other names: c.4878+5A>C (NM_001128839.3); c.4983+5A>C (NM_000720.4).
Identifiers: ClinVar variation 1411608 (VCV001411608.6), dbSNP rs2109110442, ClinGen allele CA2573137259.
Genomic context (GRCh38, chr3:53,786,957, plus strand): 5'-AAGAACAAGGACTGGTGGGAAAGTACCCTGCGAAGAACACCACAATTGCCCTACAGGTGA[A>C]TTGTTGTCTCATTTTGTTTTCTCTTTTGACTAACGATTTTACAAGCTTATTTGAAATACT-3'